The following is an entry in ClinVar:

ClinVar aggregate classification (germline): Uncertain significance. Review status: criteria provided, multiple submitters, no conflicts (2 of 4 stars). 2 submissions from 2 submitters: Uncertain significance (2). Last evaluated 2022-10-17.

Conditions:
Donnai-Barrow syndrome. Also called: DBS/FOAR SYNDROME; FACIOOCULOACOUSTICORENAL SYNDROME. Identifiers: Orphanet 2143, MedGen C1857277, MONDO:0009104, OMIM 222448.

Allele frequency attached by ClinVar (database versions not stated): gnomAD exomes below 0.00001.
gnomAD v4.1: 1 of 1,614,142 alleles (0.000062%); highest among the groups gnomAD compares: Non-Finnish European, 0.000085%; no homozygotes.

Submissions (2):

Labcorp Genetics (formerly Invitae), Labcorp
Classification: Uncertain significance. Last evaluated: 2022-10-17. Review status: criteria provided, single submitter. Criteria: Invitae Variant Classification Sherloc (09022015). Collection method: clinical testing. Allele origin: germline.
Comment: This sequence change replaces arginine, which is basic and polar, with glutamine, which is neutral and polar, at codon 4319 of the LRP2 protein (p.Arg4319Gln). This variant is not present in population databases (gnomAD no frequency). This variant has not been reported in the literature in individuals affected with LRP2-related conditions. ClinVar contains an entry for this variant (Variation ID: 1011730). Advanced modeling of protein sequence and biophysical properties (such as structural, functional, and spatial information, amino acid conservation, physicochemical variation, residue mobility, and thermodynamic stability) performed at Invitae indicates that this missense variant is not expected to disrupt LRP2 protein function. In summary, the available evidence is currently insufficient to determine the role of this variant in disease. Therefore, it has been classified as a Variant of Uncertain Significance.

Fulgent Genetics
Classification: Uncertain significance for Donnai-Barrow syndrome. Last evaluated: 2022-05-28. Review status: criteria provided, single submitter. Criteria: ACMG Guidelines, 2015. Collection method: clinical testing. Allele origin: unknown.

NM_004525.3(LRP2):c.12956G>A (p.Arg4319Gln)

Gene: LRP2 (LDL receptor related protein 2; minus strand). Cytogenetic location: 2q31.1.
Variant type: single nucleotide variant.
Coding change: c.12956G>A on transcript NM_004525.3 (MANE Select); coding-DNA position 12956, G replaced by A.
Protein change: p.Arg4319Gln; replaces arginine 4319 with glutamine.
Molecular consequence: missense variant.
Genome position (GRCh38, 1-based): chr2:169,145,779, C>T on the plus strand (G>A on the coding strand, the complement: LRP2 is on the minus strand). VCF-style: chr2-169145779-C-T. GRCh37 (hg19) VCF-style: chr2-170002289-C-T.
Other names: short protein forms R4319Q.
Identifiers: ClinVar variation 1011730 (VCV001011730.7), dbSNP rs1685883691, ClinGen allele CA349127144.